The following is an entry in ClinVar:

ClinVar aggregate classification (germline): Uncertain significance (1 of 4 stars; one submission).

Conditions:
Epidermolysis bullosa simplex 3, localized or generalized intermediate, with BP230 deficiency (EBS3). Also called: Epidermolysis bullosa simplex, autosomal recessive 2; Epidermolysis bullosa simplex due to BP230 deficiency. Identifiers: Orphanet 412181, MedGen C3809470, MONDO:0014180, OMIM 615425.
Hereditary sensory and autonomic neuropathy type 6. Also called: Neuropathy, hereditary sensory and autonomic, type VI; HSAN VI. Identifiers: Orphanet 314381, MedGen C3539003, MONDO:0013839, OMIM 614653.

Allele frequency attached by ClinVar (database versions not stated): gnomAD exomes below 0.00001.
gnomAD v4.1: 1 of 1,613,794 alleles (0.000062%); highest among the groups gnomAD compares: Non-Finnish European, 0.000085%; no homozygotes.

Submission:

Labcorp Genetics (formerly Invitae), Labcorp
Classification: Uncertain significance for Epidermolysis bullosa simplex 3, localized or generalized intermediate, with BP230 deficiency; Hereditary sensory and autonomic neuropathy type 6. Last evaluated: 2019-09-21. Review status: criteria provided, single submitter. Criteria: Invitae Variant Classification Sherloc (09022015). Collection method: clinical testing. Allele origin: germline.
Comment: This sequence change replaces asparagine with aspartic acid at codon 4440 of the DST protein (p.Asn4440Asp). The asparagine residue is moderately conserved and there is a small physicochemical difference between asparagine and aspartic acid. The DST gene has multiple clinically relevant transcripts. The p.Asn4440Asp variant occurs in alternate transcript NM_015548.4, which corresponds to c.*130185A>G in NM_001723.5, the primary transcript listed in the Methods. This variant is not present in population databases (ExAC no frequency). In summary, the available evidence is currently insufficient to determine the role of this variant in disease. Therefore, it has been classified as a Variant of Uncertain Significance. Algorithms developed to predict the effect of missense changes on protein structure and function are either unavailable or do not agree on the potential impact of this missense change (SIFT: "Tolerated"; PolyPhen-2: "Not Available"; Align-GVGD: "Class C0"). This variant has not been reported in the literature in individuals with DST-related conditions.

NM_001374736.1(DST):c.21187A>G (p.Asn7063Asp)

Gene: DST (dystonin; minus strand). Cytogenetic location: 6p12.1.
Variant type: single nucleotide variant.
Coding change: c.21187A>G on transcript NM_001374736.1 (MANE Select); coding-DNA position 21187, A replaced by G.
Protein change: p.Asn7063Asp; replaces asparagine 7063 with aspartic acid.
Molecular consequence: missense variant.
Genome position (GRCh38, 1-based): chr6:56,485,332, T>C on the plus strand (A>G on the coding strand, the complement: DST is on the minus strand). VCF-style: chr6-56485332-T-C. GRCh37 (hg19) VCF-style: chr6-56350130-T-C.
Other names: c.14830A>G, p.Asn4944Asp (NM_001144769.5); c.14416A>G, p.Asn4806Asp (NM_001144770.2); c.21187A>G, p.Asn7063Asp (NM_001374722.1); c.20227A>G, p.Asn6743Asp (NM_001374729.1); c.13969A>G, p.Asn4657Asp (NM_001374730.1); c.21214A>G, p.Asn7072Asp (NM_001374734.1); c.13318A>G, p.Asn4440Asp (NM_015548.5); c.14296A>G, p.Asn4766Asp (NM_183380.4); short protein forms N4944D, N7072D, N4766D, N6743D, N4440D, N4806D, N7063D, N4657D.
Identifiers: ClinVar variation 970427 (VCV000970427.8), dbSNP rs2095526396, ClinGen allele CA364512489.
Genomic context (GRCh38, chr6:56,485,332, plus strand): 5'-AATCAAACAAGATAAAATAAAATGTCCCAGATAACAATACCTTGTGATTATCGATCAGAT[T>C]CATCACCAAATCAATGTCTCCATGAACAGGCTGGTCTTCTGCCAGCTGGGGTTCAACTCT-3'
Protein context (NP_001361665.1, residues 7053-7073): PVHGDIDLVM[Asn7063Asp]LIDNHKAFQK